The following is an entry in ClinVar:

NM_001267550.2(TTN):c.96051A>G (p.Ala32017=)

Genes: TTN (titin; minus strand), TTN-AS1 (TTN antisense RNA 1; plus strand), LOC126806421 (CDK7 strongly-dependent group 2 enhancer GRCh37_chr2:179407630-179408829; plus strand). Cytogenetic location: 2q31.2.
Variant type: single nucleotide variant.
Coding change: c.96051A>G on transcript NM_001267550.2 (MANE Select); coding-DNA position 96051, A replaced by G.
Protein change: p.Ala32017=; no amino-acid change (alanine 32017 retained).
Molecular consequence: synonymous variant.
Genome position (GRCh38, 1-based): chr2:178,544,093, T>C on the plus strand (A>G on the coding strand, the complement: TTN is on the minus strand). VCF-style: chr2-178544093-T-C. GRCh37 (hg19) VCF-style: chr2-179408820-T-C.
Other names: c.91128A>G, p.Ala30376= (NM_001256850.1); c.68856A>G, p.Ala22952= (NM_003319.4); c.88347A>G, p.Ala29449= (NM_133378.4); c.69231A>G, p.Ala23077= (NM_133432.3); c.69432A>G, p.Ala23144= (NM_133437.4).
Identifiers: ClinVar variation 390457 (VCV000390457.16), dbSNP rs367805587, ClinGen allele CA1986821.

ClinVar aggregate classification (germline): Likely benign. Review status: criteria provided, multiple submitters, no conflicts (2 of 4 stars). 5 submissions from 5 submitters: Likely benign (5). Last evaluated 2026-09-21.

Conditions:
TTN-related disorder. Also called: TTN-related disorders; TTN-related condition; TTN-related disease.
Cardiovascular phenotype. Identifiers: MedGen CN230736.
Autosomal recessive limb-girdle muscular dystrophy type 2J (LGMDR10). Also called: Limb-girdle muscular dystrophy, type 2J; MUSCULAR DYSTROPHY, LIMB-GIRDLE, AUTOSOMAL RECESSIVE 10. Identifiers: Orphanet 140922, MedGen C1837342, MONDO:0012127, OMIM 608807.
Dilated cardiomyopathy 1G (CMD1G). Identifiers: Orphanet 154, MedGen C1858763, MONDO:0011400, OMIM 604145.

Allele frequency attached by ClinVar (database versions not stated): ExAC 0.00001; gnomAD exomes 0.00001 and 0.00002; gnomAD 0.00007 and 0.00008; ESP Exome Variant Server 0.00008; TOPMed 0.00010.
gnomAD v4.1: 19 of 1,609,522 alleles (0.0012%); highest among the groups gnomAD compares: African/African-American, 0.025%; no homozygotes.

Submissions (5):

PreventionGenetics, part of Exact Sciences
Classification: Likely benign for TTN-related condition. Last evaluated: 2026-09-21. Review status: criteria provided, single submitter. Criteria: ACMG Guidelines, 2015. Collection method: clinical testing. Allele origin: germline.
Comment: This variant is classified as likely benign based on ACMG/AMP sequence variant interpretation guidelines (Richards et al. 2015 PMID: 25741868, with internal and published modifications).

Women's Health and Genetics/Laboratory Corporation of America, LabCorp
Classification: Likely benign. Last evaluated: 2026-06-01. Review status: criteria provided, single submitter. Criteria: LabCorp Variant Classification Summary - May 2015. Collection method: clinical testing. Allele origin: germline.

Labcorp Genetics (formerly Invitae), Labcorp
Classification: Likely benign for Dilated cardiomyopathy 1G; Autosomal recessive limb-girdle muscular dystrophy type 2J. Last evaluated: 2025-11-23. Review status: criteria provided, single submitter. Criteria: Invitae Variant Classification Sherloc (09022015). Collection method: clinical testing. Allele origin: germline.

GeneDx
Classification: Likely benign. Last evaluated: 2020-02-11. Review status: criteria provided, single submitter. Criteria: GeneDx Variant Classification Process June 2021. Collection method: clinical testing. Allele origin: germline. Affected: yes.

Ambry Genetics
Classification: Likely benign for Cardiovascular phenotype. Last evaluated: 2018-09-29. Review status: criteria provided, single submitter. Criteria: Ambry Variant Classification Scheme 2023. Collection method: clinical testing. Allele origin: germline.